The following is an entry in ClinVar:

ClinVar aggregate classification (germline): Likely benign. Review status: criteria provided, multiple submitters, no conflicts (2 of 4 stars). 2 submissions from 2 submitters: Likely benign (2). Last evaluated 2025-10-29.

Allele frequency attached by ClinVar (database versions not stated): ExAC 0.00004; gnomAD 0.00004; ESP Exome Variant Server 0.00008; TOPMed 0.00010; 1000 Genomes Project 30x 0.00016; 1000 Genomes Project 0.00020.

Submissions (2):

Labcorp Genetics (formerly Invitae), Labcorp
Classification: Likely benign. Last evaluated: 2025-10-29. Review status: criteria provided, single submitter. Criteria: Invitae Variant Classification Sherloc (09022015). Collection method: clinical testing. Allele origin: germline.

CeGaT Center for Human Genetics Tuebingen
Classification: Likely benign. Last evaluated: 2024-03-01. Review status: criteria provided, single submitter. Criteria: CeGaT Center For Human Genetics Tuebingen Variant Classification Criteria Version 2. Collection method: clinical testing. Allele origin: germline. Affected: yes. Observed: 1 variant allele.
Comment: SLC5A5: BP4, BP7

NM_000453.3(SLC5A5):c.1209C>T (p.Ala403=)

Gene: SLC5A5 (solute carrier family 5 member 5; plus strand). Cytogenetic location: 19p13.11.
Variant type: single nucleotide variant.
Coding change: c.1209C>T on transcript NM_000453.3 (MANE Select); coding-DNA position 1209, C replaced by T.
Protein change: p.Ala403=; no amino-acid change (alanine 403 retained).
Molecular consequence: synonymous variant.
Genome position (GRCh38, 1-based): chr19:17,882,186, C>T. VCF-style: chr19-17882186-C-T. GRCh37 (hg19) VCF-style: chr19-17992995-C-T.
Identifiers: ClinVar variation 2864622 (VCV002864622.24), dbSNP rs200659377, ClinGen allele CA9303055.
Genomic context (GRCh38, chr19:17,882,186, plus strand): 5'-CGTGCCATCCTCATCCACTACAGCACTCATCTACGGATCGGCCTGTCTCACCGTGGCAGC[C>T]CTGTCCTCACTGCTCGGAGGAGGTGTCCTTCAGGTGAGACCCCACCTGCCCCCTGCCCTG-3'
Protein context (NP_000444.1, residues 393-413): IYGSACLTVA[Ala403=]LSSLLGGGVL